The following is an entry in ClinVar:

ClinVar aggregate classification (germline): Uncertain significance (1 of 4 stars; one submission).

Allele frequency attached by ClinVar (database versions not stated): gnomAD exomes below 0.00001.
gnomAD v4.1: 1 of 1,614,170 alleles (0.000062%); highest among the groups gnomAD compares: Non-Finnish European, 0.000085%; no homozygotes.

Submission:

Labcorp Genetics (formerly Invitae), Labcorp
Classification: Uncertain significance. Last evaluated: 2022-12-22. Review status: criteria provided, single submitter. Criteria: Invitae Variant Classification Sherloc (09022015). Collection method: clinical testing. Allele origin: germline.
Comment: In summary, the available evidence is currently insufficient to determine the role of this variant in disease. Therefore, it has been classified as a Variant of Uncertain Significance. Advanced modeling of protein sequence and biophysical properties (such as structural, functional, and spatial information, amino acid conservation, physicochemical variation, residue mobility, and thermodynamic stability) performed at Invitae indicates that this missense variant is not expected to disrupt KMT2A protein function. This variant has not been reported in the literature in individuals affected with KMT2A-related conditions. This variant is not present in population databases (gnomAD no frequency). This sequence change replaces valine, which is neutral and non-polar, with alanine, which is neutral and non-polar, at codon 2313 of the KMT2A protein (p.Val2313Ala).

NM_001197104.2(KMT2A):c.6938T>C (p.Val2313Ala)

Gene: KMT2A (lysine methyltransferase 2A; plus strand). Cytogenetic location: 11q23.3.
Variant type: single nucleotide variant.
Coding change: c.6938T>C on transcript NM_001197104.2 (MANE Select); coding-DNA position 6938, T replaced by C.
Protein change: p.Val2313Ala; replaces valine 2313 with alanine.
Molecular consequence: missense variant.
Genome position (GRCh38, 1-based): chr11:118,502,830, T>C. VCF-style: chr11-118502830-T-C. GRCh37 (hg19) VCF-style: chr11-118373545-T-C.
Other names: c.7028T>C, p.Val2343Ala (NM_001412597.1); c.6929T>C, p.Val2310Ala (NM_005933.4); short protein forms V2313A, V2343A, V2310A.
Identifiers: ClinVar variation 2802759 (VCV002802759.3), dbSNP rs200633378, ClinGen allele CA229526501.